The following is an entry in ClinVar:

NM_012448.4(STAT5B):c.2135_2139dup (p.Ala714Ter)

Gene: STAT5B (signal transducer and activator of transcription 5B; minus strand). Cytogenetic location: 17q21.2.
Variant type: Duplication.
Coding change: c.2135_2139dup on transcript NM_012448.4 (MANE Select); coding-DNA positions 2135 to 2139, 5 bases duplicated (TGAAC; older notation c.2135_2139dupTGAAC).
Protein change: p.Ala714Ter; replaces alanine 714 with a stop codon.
Molecular consequence: nonsense.
Genome position (GRCh38, 1-based): chr17:42,202,438-42,202,442, GTTCA duplicated on the plus strand (TGAAC on the coding strand, the reverse complement: STAT5B is on the minus strand). VCF-style (leftmost placement, unchanged base first): chr17-42202437-C-CGTTCA. GRCh37 (hg19) VCF-style: chr17-40354455-C-CGTTCA.
Other names: short protein forms A714*.
Identifiers: ClinVar variation 2570987 (VCV002570987.27), dbSNP rs2508698053, ClinGen allele CA2580613134.

ClinVar aggregate classification (germline): Pathogenic (1 of 4 stars; one submission).

Submission:

CeGaT Center for Human Genetics Tuebingen
Classification: Pathogenic. Last evaluated: 2023-09-01. Review status: criteria provided, single submitter. Criteria: CeGaT Center For Human Genetics Tuebingen Variant Classification Criteria Version 2. Collection method: clinical testing. Allele origin: germline. Affected: yes. Observed: 3 variant alleles.
Comment: STAT5B: PVS1, PM2